The following is an entry in ClinVar:

NM_007294.4(BRCA1):c.2411del (p.Gln804fs)

Gene: BRCA1 (BRCA1 DNA repair associated; minus strand). Cytogenetic location: 17q21.31.
Variant type: Deletion.
Coding change: c.2411del on transcript NM_007294.4 (MANE Select); coding-DNA position 2411, one base deleted (A; older notation c.2411delA).
Protein change: p.Gln804fs; shifts the reading frame from glutamine 804.
Molecular consequence: frameshift variant. On other transcripts: intron variant (137).
Genome position (GRCh38, 1-based): chr17:43,093,120, T deleted on the plus strand (A on the coding strand, the reverse complement: BRCA1 is on the minus strand). VCF-style (leftmost placement, unchanged base first): chr17-43093119-CT-C. GRCh37 (hg19) VCF-style: chr17-41245136-CT-C.
Other names: 2530delA-ter814; c.2330del, p.Gln777fs (NM_001407661.1, NM_001407662.1, NM_001407659.1 and 1 more transcripts); c.2333del, p.Gln778fs (NM_001407663.1, NM_001407653.1, NM_001407654.1 and 4 more transcripts); c.2288del, p.Gln763fs (NM_001407664.1, NM_001407665.1, NM_001407666.1 and 19 more transcripts); c.2285del, p.Gln762fs (NM_001407670.1, NM_001407671.1, NM_001407672.1 and 11 more transcripts); c.2411del, p.Gln804fs (NM_001407684.1, NM_001407854.1, NM_001407858.1 and 30 more transcripts); c.2270del, p.Gln757fs (NM_001407692.1, NM_001407694.1, NM_001407695.1 and 29 more transcripts); c.2267del, p.Gln756fs (NM_001407740.1, NM_001407741.1, NM_001407742.1 and 20 more transcripts); and 43 more; short protein forms Q757fs, Q804fs, Q508fs, Q676fs, Q677fs, Q734fs, Q762fs, Q777fs.
Identifiers: ClinVar variation 266260 (VCV000266260.7), dbSNP rs886040035, ClinGen allele CA10589855.

ClinVar aggregate classification (germline): Pathogenic. Review status: reviewed by expert panel (3 of 4 stars). 2 submissions from 2 submitters: Pathogenic (1). 1 of the submissions does not count toward it. Last evaluated 2016-10-18.

Conditions:
Breast-ovarian cancer, familial, susceptibility to, 1 (BROVCA1). Also called: BRCA1 Hereditary Breast and Ovarian Cancer; OVARIAN CANCER, SUSCEPTIBILITY TO. Identifiers: Orphanet 145, MedGen C2676676, MONDO:0011450, OMIM 604370. Disease mechanism: loss of function.

Submissions (2):

Evidence-based Network for the Interpretation of Germline Mutant Alleles (ENIGMA)
Classification: Pathogenic for Breast-ovarian cancer, familial, susceptibility to, 1. Last evaluated: 2016-10-18. Review status: reviewed by expert panel. Criteria: ENIGMA BRCA1/2 Classification Criteria (2015). Collection method: curation. Allele origin: germline.
Comment: Variant allele predicted to encode a truncated non-functional protein.

Consortium of Investigators of Modifiers of BRCA1/2 (CIMBA), c/o University of Cambridge
Classification: Pathogenic for Breast-ovarian cancer, familial, susceptibility to, 1. Last evaluated: 2015-10-02. Review status: criteria provided, single submitter. Criteria: CIMBA Mutation Classification guidelines May 2016. Collection method: clinical testing. Allele origin: germline. Not counted in ClinVar's aggregate classification.